The following is an entry in ClinVar:

ClinVar aggregate classification (germline): Uncertain significance. Review status: criteria provided, multiple submitters, no conflicts (2 of 4 stars). 3 submissions from 3 submitters: Uncertain significance (2). 1 of the submissions does not count toward it. Last evaluated 2024-09-14.

Conditions:
NEFH-related disorder. Also called: NEFH-related condition.
Inborn genetic diseases. Identifiers: MedGen C0950123, MeSH D030342.

Allele frequency attached by ClinVar (database versions not stated): gnomAD exomes 0.00001 and 0.00002; TOPMed 0.00001; ExAC 0.00002; gnomAD 0.00002.
gnomAD v4.1: 18 of 1,611,854 alleles (0.0011%); highest among the groups gnomAD compares: South Asian, 0.0066%; no homozygotes.

Submissions (3):

Labcorp Genetics (formerly Invitae), Labcorp
Classification: Uncertain significance. Last evaluated: 2024-09-14. Review status: criteria provided, single submitter. Criteria: Invitae Variant Classification Sherloc (09022015). Collection method: clinical testing. Allele origin: germline.
Comment: This sequence change replaces alanine, which is neutral and non-polar, with threonine, which is neutral and polar, at codon 920 of the NEFH protein (p.Ala920Thr). This variant is present in population databases (rs761313335, gnomAD 0.007%). This variant has not been reported in the literature in individuals affected with NEFH-related conditions. ClinVar contains an entry for this variant (Variation ID: 1443204). Invitae Evidence Modeling of protein sequence and biophysical properties (such as structural, functional, and spatial information, amino acid conservation, physicochemical variation, residue mobility, and thermodynamic stability) indicates that this missense variant is not expected to disrupt NEFH protein function with a negative predictive value of 95%. In summary, the available evidence is currently insufficient to determine the role of this variant in disease. Therefore, it has been classified as a Variant of Uncertain Significance.

Ambry Genetics
Classification: Uncertain significance for Inborn genetic diseases. Last evaluated: 2022-05-21. Review status: criteria provided, single submitter. Criteria: Ambry Variant Classification Scheme 2023. Collection method: clinical testing. Allele origin: germline.
Comment: The p.A920T variant (also known as c.2758G>A), located in coding exon 4 of the NEFH gene, results from a G to A substitution at nucleotide position 2758. The alanine at codon 920 is replaced by threonine, an amino acid with similar properties. This amino acid position is conserved. In addition, this alteration is predicted to be tolerated by in silico analysis. Since supporting evidence is limited at this time, the clinical significance of this alteration remains unclear.

PreventionGenetics, part of Exact Sciences
Classification: Uncertain significance for NEFH-related condition. Last evaluated: 2024-04-11. Review status: no assertion criteria provided. Collection method: clinical testing. Allele origin: germline. Not counted in ClinVar's aggregate classification.
Comment: The NEFH c.2758G>A variant is predicted to result in the amino acid substitution p.Ala920Thr. To our knowledge, this variant has not been reported in the literature. This variant is reported in 0.0066% of alleles in individuals of South Asian descent in gnomAD. At this time, the clinical significance of this variant is uncertain due to the absence of conclusive functional and genetic evidence.

NM_021076.4(NEFH):c.2758G>A (p.Ala920Thr)

Gene: NEFH (neurofilament heavy chain; plus strand). Cytogenetic location: 22q12.2.
Variant type: single nucleotide variant.
Coding change: c.2758G>A on transcript NM_021076.4 (MANE Select); coding-DNA position 2758, G replaced by A.
Protein change: p.Ala920Thr; replaces alanine 920 with threonine.
Molecular consequence: missense variant.
Genome position (GRCh38, 1-based): chr22:29,490,398, G>A. VCF-style: chr22-29490398-G-A. GRCh37 (hg19) VCF-style: chr22-29886387-G-A.
Other names: short protein forms A920T.
Identifiers: ClinVar variation 1443204 (VCV001443204.11), dbSNP rs761313335, ClinGen allele CA10174486.